The following is an entry in ClinVar:

ClinVar aggregate classification (germline): Uncertain significance (1 of 4 stars; one submission).

Conditions:
Inborn genetic diseases. Identifiers: MedGen C0950123, MeSH D030342.

Submission:

Ambry Genetics
Classification: Uncertain significance for Inborn genetic diseases. Last evaluated: 2025-07-31. Review status: criteria provided, single submitter. Criteria: Ambry Variant Classification Scheme 2023. Collection method: clinical testing. Allele origin: germline.
Comment: The p.L50V variant (also known as c.148C>G), located in coding exon 2 of the FANCA gene, results from a C to G substitution at nucleotide position 148. The leucine at codon 50 is replaced by valine, an amino acid with highly similar properties. This amino acid position is conserved. In addition, this alteration is predicted to be tolerated by in silico analysis. Based on the available evidence, the clinical significance of this variant remains unclear.

NM_000135.4(FANCA):c.148C>G (p.Leu50Val)

Gene: FANCA (FA complementation group A; minus strand). Cytogenetic location: 16q24.3.
Variant type: single nucleotide variant.
Coding change: c.148C>G on transcript NM_000135.4 (MANE Select); coding-DNA position 148, C replaced by G.
Protein change: p.Leu50Val; replaces leucine 50 with valine.
Molecular consequence: missense variant.
Genome position (GRCh38, 1-based): chr16:89,815,918, G>C on the plus strand (C>G on the coding strand, the complement: FANCA is on the minus strand). VCF-style: chr16-89815918-G-C. GRCh37 (hg19) VCF-style: chr16-89882326-G-C.
Other names: c.148C>G, p.Leu50Val (NM_001018112.3, NM_001286167.3, NM_001351830.2); short protein forms L50V.
Identifiers: ClinVar variation 4254238 (VCV004254238.1).